The following is an entry in ClinVar:

NM_000213.5(ITGB4):c.928del (p.Leu310fs)

Gene: ITGB4 (integrin subunit beta 4; plus strand). Cytogenetic location: 17q25.1.
Variant type: Deletion.
Coding change: c.928del on transcript NM_000213.5 (MANE Select); coding-DNA position 928, one base deleted (C; older notation c.928delC).
Protein change: p.Leu310fs; shifts the reading frame from leucine 310.
Molecular consequence: frameshift variant.
Genome position (GRCh38, 1-based): chr17:75,730,430, C deleted; the last of 3 consecutive C bases (chr17:75,730,428-75,730,430); deleting any one gives the same sequence. VCF-style (leftmost placement, unchanged base first): chr17-75730427-AC-A. GRCh37 (hg19) VCF-style: chr17-73726508-AC-A.
Other names: c.928delC, p.Leu310Trpfs (NM_001005619.2); c.928del, p.Leu310fs (NM_001005731.3, NM_001321123.2); short protein forms L310fs.
Identifiers: ClinVar variation 1941230 (VCV001941230.5), dbSNP rs2545737322, ClinGen allele CA2580095160.

ClinVar aggregate classification (germline): Pathogenic (1 of 4 stars; one submission).

Submission:

Labcorp Genetics (formerly Invitae), Labcorp
Classification: Pathogenic. Last evaluated: 2021-11-27. Review status: criteria provided, single submitter. Criteria: Invitae Variant Classification Sherloc (09022015). Collection method: clinical testing. Allele origin: germline.
Comment: This sequence change creates a premature translational stop signal (p.Leu310Trpfs*66) in the ITGB4 gene. It is expected to result in an absent or disrupted protein product. Loss-of-function variants in ITGB4 are known to be pathogenic (PMID: 11328943, 16473856). This variant is not present in population databases (gnomAD no frequency). This variant has not been reported in the literature in individuals affected with ITGB4-related conditions. For these reasons, this variant has been classified as Pathogenic.

Literature cited by the submitters: PubMed 11328943; PubMed 16473856.